The following is an entry in ClinVar:

ClinVar aggregate classification (germline): Likely pathogenic (1 of 4 stars; one submission).

Conditions:
Cardiovascular phenotype. Identifiers: MedGen CN230736.

Submission:

Ambry Genetics
Classification: Likely pathogenic for Cardiovascular phenotype. Last evaluated: 2022-03-04. Review status: criteria provided, single submitter. Criteria: Ambry Variant Classification Scheme 2023. Collection method: clinical testing. Allele origin: germline.
Comment: The c.1312-2A>G intronic variant results from an A to G substitution two nucleotides before coding exon 11 of the ENG gene. Alterations that disrupt the canonical splice site are expected to result in aberrant splicing. In silico splice site analysis predicts that this alteration will weaken the native splice acceptor site and will result in the creation or strengthening of a novel splice acceptor site. The resulting transcript is predicted to be in-frame and is not expected to trigger nonsense-mediated mRNA decay; however, direct evidence is unavailable. The exact functional effect of the altered amino acid sequence is unknown; however, the impacted region is critical for protein function (Ambry internal data). This variant is considered to be rare based on population cohorts in the Genome Aggregation Database (gnomAD). This nucleotide position is highly conserved in available vertebrate species. Based on the majority of available evidence to date, this variant is likely to be pathogenic.

NM_001114753.3(ENG):c.1312-2A>G

Genes: ENG (endoglin; minus strand), LOC102723566 (uncharacterized LOC102723566; plus strand). Cytogenetic location: 9q34.11.
Variant type: single nucleotide variant.
Coding change: c.1312-2A>G on transcript NM_001114753.3 (MANE Select); the canonical splice acceptor site of the intron before coding-DNA position 1312, A replaced by G.
Molecular consequence: splice acceptor variant.
Genome position (GRCh38, 1-based): chr9:127,818,834, T>C on the plus strand (A>G on the coding strand, the complement: ENG is on the minus strand). VCF-style: chr9-127818834-T-C. GRCh37 (hg19) VCF-style: chr9-130581113-T-C.
Other names: c.1312-2A>G (NM_000118.4); c.766-2A>G (NM_001278138.2).
Identifiers: ClinVar variation 1769689 (VCV001769689.2), dbSNP rs2539061224, ClinGen allele CA374977964.